The following is an entry in ClinVar:

ClinVar aggregate classification (germline): Uncertain significance (1 of 4 stars; one submission).

Conditions:
Hereditary cancer-predisposing syndrome. Also called: Hereditary Cancer Syndrome; Hereditary neoplastic syndrome; Neoplastic Syndromes, Hereditary; Tumor predisposition. Identifiers: Orphanet 140162, MedGen C0027672, MeSH D009386, MONDO:0015356.

Submission:

Ambry Genetics
Classification: Uncertain significance for Hereditary cancer-predisposing syndrome. Last evaluated: 2021-02-17. Review status: criteria provided, single submitter. Criteria: Ambry Variant Classification Scheme 2023. Collection method: clinical testing. Allele origin: germline.
Comment: The p.S492I variant (also known as c.1475G>T), located in coding exon 13 of the BAP1 gene, results from a G to T substitution at nucleotide position 1475. The serine at codon 492 is replaced by isoleucine, an amino acid with dissimilar properties. This amino acid position is highly conserved in available vertebrate species. In addition, this alteration is predicted to be deleterious by in silico analysis. Since supporting evidence is limited at this time, the clinical significance of this alteration remains unclear.

NM_004656.4(BAP1):c.1475G>T (p.Ser492Ile)

Gene: BAP1 (BRCA1 associated deubiquitinase 1; minus strand). Cytogenetic location: 3p21.1.
Variant type: single nucleotide variant.
Coding change: c.1475G>T on transcript NM_004656.4 (MANE Select); coding-DNA position 1475, G replaced by T.
Protein change: p.Ser492Ile; replaces serine 492 with isoleucine.
Molecular consequence: missense variant.
Genome position (GRCh38, 1-based): chr3:52,403,670, C>A on the plus strand (G>T on the coding strand, the complement: BAP1 is on the minus strand). VCF-style: chr3-52403670-C-A. GRCh37 (hg19) VCF-style: chr3-52437686-C-A.
Other names: c.1421G>T, p.Ser474Ile (NM_001410772.1); short protein forms S474I, S492I.
Identifiers: ClinVar variation 1773454 (VCV001773454.2), dbSNP rs141453056, ClinGen allele CA353101100.